The following is an entry in ClinVar:

ClinVar aggregate classification (germline): Likely benign. Review status: criteria provided, multiple submitters, no conflicts (2 of 4 stars). 3 submissions from 3 submitters: Likely benign (2). 1 of the submissions does not count toward it. Last evaluated 2026-03-01.

Conditions:
TMEM94-related disorder. Also called: TMEM94-related condition.

Allele frequency attached by ClinVar (database versions not stated): gnomAD exomes 0.00083; gnomAD 0.00086; ExAC 0.00117; 1000 Genomes Project 0.00120; 1000 Genomes Project 30x 0.00125; TOPMed 0.00131; ESP Exome Variant Server 0.00069.
gnomAD v4.1: 1,414 of 1,614,122 alleles (0.088%); highest among the groups gnomAD compares: Middle Eastern, 2.6%; 5 homozygotes.

Submissions (3):

CeGaT Center for Human Genetics Tuebingen
Classification: Likely benign. Last evaluated: 2026-03-01. Review status: criteria provided, single submitter. Criteria: CeGaT Center For Human Genetics Tuebingen Variant Classification Criteria Version 2. Collection method: clinical testing. Allele origin: germline. Affected: yes. Observed: 10 variant alleles.
Comment: TMEM94: BP4, BS2

Blueprint Genetics
Classification: Likely benign. Last evaluated: 2024-11-27. Review status: criteria provided, single submitter. Criteria: ACMG Guidelines, 2015. Collection method: clinical testing. Allele origin: germline.

PreventionGenetics, part of Exact Sciences
Classification: Likely benign for TMEM94-related condition. Last evaluated: 2019-09-10. Review status: no assertion criteria provided. Collection method: clinical testing. Allele origin: germline. Not counted in ClinVar's aggregate classification.
Comment: This variant is classified as likely benign based on ACMG/AMP sequence variant interpretation guidelines (Richards et al. 2015 PMID: 25741868, with internal and published modifications).

NM_014738.6(TMEM94):c.2223C>T (p.Cys741=)

Gene: TMEM94 (transmembrane protein 94; plus strand). Cytogenetic location: 17q25.1.
Variant type: single nucleotide variant.
Coding change: c.2223C>T on transcript NM_014738.6 (MANE Select); coding-DNA position 2223, C replaced by T.
Protein change: p.Cys741=; no amino-acid change (cysteine 741 retained).
Molecular consequence: synonymous variant.
Genome position (GRCh38, 1-based): chr17:75,493,732, C>T. VCF-style: chr17-75493732-C-T. GRCh37 (hg19) VCF-style: chr17-73489813-C-T.
Other names: c.2253C>T, p.Cys751= (NM_001321148.2, NM_001351203.2); c.2235C>T, p.Cys745= (NM_001321149.2); c.2175C>T, p.Cys725= (NM_001351202.2); c.2223C>T (NM_014738.5).
Identifiers: ClinVar variation 2648255 (VCV002648255.26), dbSNP rs148832482, ClinGen allele CA8762112.